The following is an entry in ClinVar:

ClinVar aggregate classification (germline): Uncertain significance. Review status: criteria provided, multiple submitters, no conflicts (2 of 4 stars). 4 submissions from 4 submitters: Uncertain significance (4). Last evaluated 2026-06-28.

Conditions:
Charcot-Marie-Tooth disease. Also called: Charcot-Marie-Tooth Neuropathy; Charcot-Marie-Tooth Hereditary Neuropathy. Identifiers: Orphanet 166, MedGen C0007959, MONDO:0015626.
EGR2-related disorder. Also called: EGR2-related condition.
Charcot-Marie-Tooth disease, type I (CMT1). Also called: Charcot-Marie-Tooth disease type 1; Charcot-Marie-Tooth, Type 1. Identifiers: Orphanet 65753, MedGen C0751036, MONDO:0019011.

Allele frequency attached by ClinVar (database versions not stated): ExAC 0.00002; gnomAD exomes 0.00002; gnomAD 0.00003; TOPMed 0.00003.

Submissions (4):

PreventionGenetics, part of Exact Sciences
Classification: Uncertain significance for EGR2-related condition. Last evaluated: 2026-06-28. Review status: criteria provided, single submitter. Criteria: ACMG Guidelines, 2015. Collection method: clinical testing. Allele origin: germline.
Comment: The EGR2 c.733G>A variant is predicted to result in the amino acid substitution p.Asp245Asn. To our knowledge, this variant has not been reported in the literature. This variant is reported in 0.0040% of alleles in individuals of African descent in gnomAD. At this time, the clinical significance of this variant is uncertain due to the absence of conclusive functional and genetic evidence.

Labcorp Genetics (formerly Invitae), Labcorp
Classification: Uncertain significance for Charcot-Marie-Tooth disease, type I. Last evaluated: 2024-04-13. Review status: criteria provided, single submitter. Criteria: Invitae Variant Classification Sherloc (09022015). Collection method: clinical testing. Allele origin: germline.
Comment: This sequence change replaces aspartic acid, which is acidic and polar, with asparagine, which is neutral and polar, at codon 245 of the EGR2 protein (p.Asp245Asn). This variant is present in population databases (rs745823802, gnomAD 0.004%). This variant has not been reported in the literature in individuals affected with EGR2-related conditions. ClinVar contains an entry for this variant (Variation ID: 916982). Advanced modeling of protein sequence and biophysical properties (such as structural, functional, and spatial information, amino acid conservation, physicochemical variation, residue mobility, and thermodynamic stability) performed at Invitae indicates that this missense variant is not expected to disrupt EGR2 protein function with a negative predictive value of 80%. In summary, the available evidence is currently insufficient to determine the role of this variant in disease. Therefore, it has been classified as a Variant of Uncertain Significance.

Athena Diagnostics
Classification: Uncertain significance. Last evaluated: 2020-08-03. Review status: criteria provided, single submitter. Criteria: Athena Diagnostics Criteria. Collection method: clinical testing. Allele origin: unknown.

Molecular Genetics Laboratory, London Health Sciences Centre
Classification: Uncertain significance for Charcot-Marie-Tooth disease. Review status: criteria provided, single submitter. Criteria: ACMG Guidelines, 2015. Collection method: clinical testing. Allele origin: germline. Affected: yes.

NM_000399.5(EGR2):c.733G>A (p.Asp245Asn)

Gene: EGR2 (early growth response 2; minus strand). Cytogenetic location: 10q21.3.
Variant type: single nucleotide variant.
Coding change: c.733G>A on transcript NM_000399.5 (MANE Select); coding-DNA position 733, G replaced by A.
Protein change: p.Asp245Asn; replaces aspartic acid 245 with asparagine.
Molecular consequence: missense variant.
Genome position (GRCh38, 1-based): chr10:62,813,905, C>T on the plus strand (G>A on the coding strand, the complement: EGR2 is on the minus strand). VCF-style: chr10-62813905-C-T. GRCh37 (hg19) VCF-style: chr10-64573665-C-T.
Other names: c.733G>A, p.Asp245Asn (NM_001136177.3, NM_001136178.2); c.583G>A, p.Asp195Asn (NM_001136179.3, NM_001321037.2); short protein forms D195N, D245N.
Identifiers: ClinVar variation 916982 (VCV000916982.12), dbSNP rs745823802, ClinGen allele CA5517237.